The following is an entry in ClinVar:

ClinVar aggregate classification (germline): Conflicting classifications of pathogenicity. Review status: criteria provided, conflicting classifications (1 of 4 stars). 2 submissions from 2 submitters: Uncertain significance (1); Likely benign (1). Last evaluated 2026-03-20.

Conditions:
EFTUD2-related disorder. Also called: EFTUD2-related condition.

gnomAD v4.1: 141 of 1,613,914 alleles (0.0087%); highest among the groups gnomAD compares: Non-Finnish European, 0.012%; no homozygotes.

Submissions (2):

PreventionGenetics, part of Exact Sciences
Classification: Likely benign for EFTUD2-related condition. Last evaluated: 2026-03-20. Review status: criteria provided, single submitter. Criteria: ACMG Guidelines, 2015. Collection method: clinical testing. Allele origin: germline.
Comment: This variant is classified as likely benign based on ACMG/AMP sequence variant interpretation guidelines (Richards et al. 2015 PMID: 25741868, with internal and published modifications).

Labcorp Genetics (formerly Invitae), Labcorp
Classification: Uncertain significance. Last evaluated: 2025-05-01. Review status: criteria provided, single submitter. Criteria: Invitae Variant Classification Sherloc (09022015). Collection method: clinical testing. Allele origin: germline.
Comment: This sequence change falls in intron 21 of the EFTUD2 gene. It does not directly change the encoded amino acid sequence of the EFTUD2 protein. It affects a nucleotide within the consensus splice site. This variant is present in population databases (rs769205757, gnomAD 0.004%). This variant has not been reported in the literature in individuals affected with EFTUD2-related conditions. Variants that disrupt the consensus splice site are a relatively common cause of aberrant splicing (PMID: 17576681, 9536098). Algorithms developed to predict the effect of sequence changes on RNA splicing suggest that this variant is not likely to affect RNA splicing. In summary, the available evidence is currently insufficient to determine the role of this variant in disease. Therefore, it has been classified as a Variant of Uncertain Significance.

Literature cited by the submitters: PubMed 17576681 (cited by Labcorp Genetics (formerly Invitae), Labcorp); PubMed 9536098 (cited by Labcorp Genetics (formerly Invitae), Labcorp).

NM_004247.4(EFTUD2):c.2132+5G>A

Gene: EFTUD2 (elongation factor Tu GTP binding domain containing 2; minus strand). Cytogenetic location: 17q21.31.
Variant type: single nucleotide variant.
Coding change: c.2132+5G>A on transcript NM_004247.4 (MANE Select); 5 bases into the intron after coding-DNA position 2132, G replaced by A.
Molecular consequence: intron variant.
Genome position (GRCh38, 1-based): chr17:44,854,913, C>T on the plus strand (G>A on the coding strand, the complement: EFTUD2 is on the minus strand). VCF-style: chr17-44854913-C-T. GRCh37 (hg19) VCF-style: chr17-42932281-C-T.
Other names: c.2132+5G>A (NM_004247.3, NM_001258353.2); c.2027+5G>A (NM_001142605.2); c.2102+5G>A (NM_001258354.2).
Identifiers: ClinVar variation 4706739 (VCV004706739.2).